The following is an entry in ClinVar:

NM_000079.4(CHRNA1):c.76C>T (p.Arg26Cys)

Gene: CHRNA1 (cholinergic receptor nicotinic alpha 1 subunit; minus strand). Cytogenetic location: 2q31.1.
Variant type: single nucleotide variant.
Coding change: c.76C>T on transcript NM_000079.4 (MANE Select); coding-DNA position 76, C replaced by T.
Protein change: p.Arg26Cys; replaces arginine 26 with cysteine.
Molecular consequence: missense variant.
Genome position (GRCh38, 1-based): chr2:174,759,601, G>A on the plus strand (C>T on the coding strand, the complement: CHRNA1 is on the minus strand). VCF-style: chr2-174759601-G-A. GRCh37 (hg19) VCF-style: chr2-175624329-G-A.
Other names: c.76C>T, p.Arg26Cys (NM_001039523.3); short protein forms R26C.
Identifiers: ClinVar variation 894736 (VCV000894736.8), dbSNP rs536229089, ClinGen allele CA1974704.
Genomic context (GRCh38, chr2:174,759,601, plus strand): 5'-GGTGGTCTTCCACTGGCCGCACCACGCTGCTGTAGTCTTTAAATAGCTTTGCCACCAGAC[G>A]GGTCTCATGTTCGGAGCCCAGGACGAGGCCAGCTGAGACAGCAGATGACACCAACACTGT-3'
Protein context (NP_000070.1, residues 16-36): GLVLGSEHET[Arg26Cys]LVAKLFKDYS

ClinVar aggregate classification (germline): Uncertain significance. Review status: criteria provided, multiple submitters, no conflicts (2 of 4 stars). 3 submissions from 2 submitters: Uncertain significance (3). Last evaluated 2022-04-08.

Conditions:
Congenital myasthenic syndrome (CMS). Also called: Congenital Myasthenic Syndromes. Identifiers: Orphanet 590, MedGen C0751882, MeSH D020294, MONDO:0018940.
Lethal multiple pterygium syndrome (LMPS). Identifiers: Orphanet 33108, MedGen C1854678, MONDO:0009668, OMIM 253290.

Allele frequency attached by ClinVar (database versions not stated): gnomAD exomes 0.00006; ExAC 0.00009; 1000 Genomes Project 30x 0.00016; 1000 Genomes Project 0.00020; gnomAD 0.00004 and 0.00006; TOPMed 0.00004.
gnomAD v4.1: 89 of 1,613,836 alleles (0.0055%); highest among the groups gnomAD compares: East Asian, 0.13%; 1 homozygote.

Submissions (3):

Labcorp Genetics (formerly Invitae), Labcorp
Classification: Uncertain significance for Lethal multiple pterygium syndrome. Last evaluated: 2022-04-08. Review status: criteria provided, single submitter. Criteria: Invitae Variant Classification Sherloc (09022015). Collection method: clinical testing. Allele origin: germline.
Comment: In summary, the available evidence is currently insufficient to determine the role of this variant in disease. Therefore, it has been classified as a Variant of Uncertain Significance. Advanced modeling of protein sequence and biophysical properties (such as structural, functional, and spatial information, amino acid conservation, physicochemical variation, residue mobility, and thermodynamic stability) performed at Invitae indicates that this missense variant is expected to disrupt CHRNA1 protein function. ClinVar contains an entry for this variant (Variation ID: 894736). This variant has not been reported in the literature in individuals affected with CHRNA1-related conditions. This variant is present in population databases (rs536229089, gnomAD 0.02%). This sequence change replaces arginine, which is basic and polar, with cysteine, which is neutral and slightly polar, at codon 26 of the CHRNA1 protein (p.Arg26Cys).

Illumina Laboratory Services, Illumina
Classification: Uncertain significance for Congenital myasthenic syndrome. Last evaluated: 2018-01-13. Review status: criteria provided, single submitter. Criteria: ICSL Variant Classification Criteria 13 December 2019. Collection method: clinical testing. Allele origin: germline.

Illumina Laboratory Services, Illumina
Classification: Uncertain significance for Lethal multiple pterygium syndrome. Last evaluated: 2018-01-13. Review status: criteria provided, single submitter. Criteria: ICSL Variant Classification Criteria 13 December 2019. Collection method: clinical testing. Allele origin: germline.